The following is an entry in ClinVar:

NM_001375524.1(TRRAP):c.9022+33T>C

Gene: TRRAP (transformation/transcription domain associated protein; plus strand). Cytogenetic location: 7q22.1.
Variant type: single nucleotide variant.
Coding change: c.9022+33T>C on transcript NM_001375524.1 (MANE Select); 33 bases into the intron after coding-DNA position 9022, T replaced by C.
Molecular consequence: intron variant. On other transcripts: missense variant (1).
Genome position (GRCh38, 1-based): chr7:98,983,492, T>C. VCF-style: chr7-98983492-T-C. GRCh37 (hg19) VCF-style: chr7-98581115-T-C.
Other names: c.9034T>C, p.Ser3012Pro (NM_001244580.2); c.8947+33T>C (NM_003496.4); short protein forms S3012P.
Identifiers: ClinVar variation 1334477 (VCV001334477.4), dbSNP rs2116762447, ClinGen allele CA368314716.

ClinVar aggregate classification (germline): Uncertain significance (1 of 4 stars; one submission).

Submission:

Greenwood Genetic Center Diagnostic Laboratories, Greenwood Genetic Center
Classification: Uncertain significance. Last evaluated: 2021-04-12. Review status: criteria provided, single submitter. Criteria: ACMG Guidelines, 2015. Collection method: clinical testing. Allele origin: germline. Affected: yes.
Comment: PM2